The following is an entry in ClinVar:

NM_014874.4(MFN2):c.970+6G>A

Gene: MFN2 (mitofusin 2; plus strand). Cytogenetic location: 1p36.22.
Variant type: single nucleotide variant.
Coding change: c.970+6G>A on transcript NM_014874.4 (MANE Select); 6 bases into the intron after coding-DNA position 970, G replaced by A.
Molecular consequence: intron variant.
Genome position (GRCh38, 1-based): chr1:12,001,560, G>A. VCF-style: chr1-12001560-G-A. GRCh37 (hg19) VCF-style: chr1-12061617-G-A.
Other names: c.970+6G>A (NM_001127660.2).
Identifiers: ClinVar variation 2711886 (VCV002711886.3), dbSNP rs1169750501, ClinGen allele CA521455929.
Genomic context (GRCh38, chr1:12,001,560, plus strand): 5'-GCTAAGGAGGTGCTCAACGCCAGGATTCAGAAAGCCCAGGGCATGCCTGAAGGAGGTAAT[G>A]ATGAGAACAGATGTCCTCCTTTTCTCTGATGTTTGAGACATTTTGTCTCGTGCTGAGGAG-3'

ClinVar aggregate classification (germline): Uncertain significance (1 of 4 stars; one submission).

Conditions:
Charcot-Marie-Tooth disease type 2. Also called: Charcot-Marie-Tooth type 2. Identifiers: Orphanet 64746, MedGen C0270914, MONDO:0018993.

Submission:

Labcorp Genetics (formerly Invitae), Labcorp
Classification: Uncertain significance for Charcot-Marie-Tooth disease type 2. Last evaluated: 2023-11-08. Review status: criteria provided, single submitter. Criteria: Invitae Variant Classification Sherloc (09022015). Collection method: clinical testing. Allele origin: germline.
Comment: This sequence change falls in intron 9 of the MFN2 gene. It does not directly change the encoded amino acid sequence of the MFN2 protein. It affects a nucleotide within the consensus splice site. This variant is not present in population databases (gnomAD no frequency). This variant has not been reported in the literature in individuals affected with MFN2-related conditions. Variants that disrupt the consensus splice site are a relatively common cause of aberrant splicing (PMID: 17576681, 9536098). Algorithms developed to predict the effect of sequence changes on RNA splicing suggest that this variant is not likely to affect RNA splicing. In summary, the available evidence is currently insufficient to determine the role of this variant in disease. Therefore, it has been classified as a Variant of Uncertain Significance.

Literature cited by the submitters: PubMed 17576681; PubMed 9536098.